The following is an entry in ClinVar:

NM_024675.4(PALB2):c.2285A>G (p.His762Arg)

Gene: PALB2 (partner and localizer of BRCA2; minus strand). Cytogenetic location: 16p12.2.
Variant type: single nucleotide variant.
Coding change: c.2285A>G on transcript NM_024675.4 (MANE Select); coding-DNA position 2285, A replaced by G.
Protein change: p.His762Arg; replaces histidine 762 with arginine.
Molecular consequence: missense variant.
Genome position (GRCh38, 1-based): chr16:23,629,869, T>C on the plus strand (A>G on the coding strand, the complement: PALB2 is on the minus strand). VCF-style: chr16-23629869-T-C. GRCh37 (hg19) VCF-style: chr16-23641190-T-C.
Other names: short protein forms H762R.
Identifiers: ClinVar variation 927068 (VCV000927068.9), dbSNP rs1238274171, ClinGen allele CA395125339.

ClinVar aggregate classification (germline): Uncertain significance. Review status: criteria provided, multiple submitters, no conflicts (2 of 4 stars). 3 submissions from 3 submitters: Uncertain significance (3). Last evaluated 2024-02-22.

Conditions:
Hereditary cancer-predisposing syndrome. Also called: Neoplastic Syndromes, Hereditary; Tumor predisposition; Hereditary Cancer Syndrome; Hereditary neoplastic syndrome. Identifiers: Orphanet 140162, MedGen C0027672, MeSH D009386, MONDO:0015356.
Familial cancer of breast. Also called: BREAST CANCER, FAMILIAL; Hereditary breast cancer; hereditary breast carcinoma. Identifiers: Orphanet 227535, MedGen C0346153, MONDO:0016419, OMIM 114480. Disease mechanism: loss of function.

Submissions (3):

Labcorp Genetics (formerly Invitae), Labcorp
Classification: Uncertain significance for Familial cancer of breast. Last evaluated: 2024-02-22. Review status: criteria provided, single submitter. Criteria: Invitae Variant Classification Sherloc (09022015). Collection method: clinical testing. Allele origin: germline.
Comment: This sequence change replaces histidine, which is basic and polar, with arginine, which is basic and polar, at codon 762 of the PALB2 protein (p.His762Arg). This variant is not present in population databases (gnomAD no frequency). This variant has not been reported in the literature in individuals affected with PALB2-related conditions. ClinVar contains an entry for this variant (Variation ID: 927068). Advanced modeling of protein sequence and biophysical properties (such as structural, functional, and spatial information, amino acid conservation, physicochemical variation, residue mobility, and thermodynamic stability) has been performed at Invitae for this missense variant, however the output from this modeling did not meet the statistical confidence thresholds required to predict the impact of this variant on PALB2 protein function. In summary, the available evidence is currently insufficient to determine the role of this variant in disease. Therefore, it has been classified as a Variant of Uncertain Significance.

Ambry Genetics
Classification: Uncertain significance for Hereditary cancer-predisposing syndrome. Last evaluated: 2024-02-05. Review status: criteria provided, single submitter. Criteria: Ambry Variant Classification Scheme 2023. Collection method: clinical testing. Allele origin: germline.
Comment: The p.H762R variant (also known as c.2285A>G), located in coding exon 5 of the PALB2 gene, results from an A to G substitution at nucleotide position 2285. The histidine at codon 762 is replaced by arginine, an amino acid with highly similar properties. This amino acid position is conserved. In addition, this alteration is predicted to be tolerated by in silico analysis. Based on the available evidence, the clinical significance of this alteration remains unclear.

Color Diagnostics, LLC DBA Color Health
Classification: Uncertain significance for Hereditary cancer-predisposing syndrome. Last evaluated: 2023-12-05. Review status: criteria provided, single submitter. Criteria: ACMG Guidelines, 2015. Collection method: clinical testing. Allele origin: germline.
Comment: This missense variant replaces histidine with arginine at codon 762 of the PALB2 protein. Computational prediction tools and conservation analyses suggest that this variant may not impact protein structure and function. Splice site prediction tools suggest that this variant may not impact RNA splicing. To our knowledge, functional studies have not been performed for this variant. This variant has not been reported in individuals affected with hereditary cancer in the literature. This variant has not been identified in the general population by the Genome Aggregation Database (gnomAD). The available evidence is insufficient to determine the role of this variant in disease conclusively. Therefore, this variant is classified as a Variant of Uncertain Significance.